The following is an entry in ClinVar:

NM_001042750.2(STAG2):c.1416+9A>G

Gene: STAG2 (STAG2 cohesin complex component; plus strand). Cytogenetic location: Xq25.
Variant type: single nucleotide variant.
Coding change: c.1416+9A>G on transcript NM_001042750.2 (MANE Select); 9 bases into the intron after coding-DNA position 1416, A replaced by G.
Molecular consequence: intron variant.
Genome position (GRCh38, 1-based): chrX:124,057,986, A>G. VCF-style: chrX-124057986-A-G. GRCh37 (hg19) VCF-style: chrX-123191836-A-G.
Other names: c.1416+9A>G (NM_001042749.2, NM_001375366.1, NM_001375373.1 and 13 more transcripts).
Identifiers: ClinVar variation 2759561 (VCV002759561.3), dbSNP rs2521643063, ClinGen allele CA2694624793.

ClinVar aggregate classification (germline): Uncertain significance (1 of 4 stars; one submission).

gnomAD v4.1: 1 of 1,130,191 alleles (0.000088%); highest among the groups gnomAD compares: Non-Finnish European, 0.00012%; no homozygotes.

Submission:

Labcorp Genetics (formerly Invitae), Labcorp
Classification: Uncertain significance. Last evaluated: 2023-09-10. Review status: criteria provided, single submitter. Criteria: Invitae Variant Classification Sherloc (09022015). Collection method: clinical testing. Allele origin: germline.
Comment: This sequence change falls in intron 15 of the STAG2 gene. It does not directly change the encoded amino acid sequence of the STAG2 protein. In summary, the available evidence is currently insufficient to determine the role of this variant in disease. Therefore, it has been classified as a Variant of Uncertain Significance. Algorithms developed to predict the effect of sequence changes on RNA splicing suggest that this variant may create or strengthen a splice site. This variant has not been reported in the literature in individuals affected with STAG2-related conditions. This variant is not present in population databases (gnomAD no frequency).